The following is an entry in ClinVar:

ClinVar aggregate classification (germline): Uncertain significance. Review status: criteria provided, multiple submitters, no conflicts (2 of 4 stars). 4 submissions from 4 submitters: Uncertain significance (4). Last evaluated 2025-06-27.

Conditions:
Combined oxidative phosphorylation deficiency. Identifiers: MedGen C4540031, MONDO:0000732.
Charcot-Marie-Tooth Neuropathy X. Identifiers: MedGen CN118851.
Charcot-Marie-Tooth disease. Also called: Charcot-Marie-Tooth Neuropathy; Charcot-Marie-Tooth Hereditary Neuropathy. Identifiers: Orphanet 166, MedGen C0007959, MONDO:0015626.

Allele frequency attached by ClinVar (database versions not stated): TOPMed 0.00001; gnomAD exomes 0.00002; gnomAD 0.00004.
gnomAD v4.1: 26 of 1,210,084 alleles (0.0021%); highest among the groups gnomAD compares: Non-Finnish European, 0.0027%; no homozygotes.

Submissions (4):

Labcorp Genetics (formerly Invitae), Labcorp
Classification: Uncertain significance for Charcot-Marie-Tooth Neuropathy X; Combined oxidative phosphorylation deficiency. Last evaluated: 2025-06-27. Review status: criteria provided, single submitter. Criteria: Invitae Variant Classification Sherloc (09022015). Collection method: clinical testing. Allele origin: germline.
Comment: This sequence change replaces glutamic acid, which is acidic and polar, with lysine, which is basic and polar, at codon 533 of the AIFM1 protein (p.Glu533Lys). This variant is present in population databases (no rsID available, gnomAD 0.001%), including at least one homozygous and/or hemizygous individual. This missense change has been observed in individual(s) with features of Charcot-Marie-Tooth disease (internal data). ClinVar contains an entry for this variant (Variation ID: 372555). Invitae Evidence Modeling of protein sequence and biophysical properties (such as structural, functional, and spatial information, amino acid conservation, physicochemical variation, residue mobility, and thermodynamic stability) indicates that this missense variant is not expected to disrupt AIFM1 protein function with a negative predictive value of 80%. In summary, the available evidence is currently insufficient to determine the role of this variant in disease. Therefore, it has been classified as a Variant of Uncertain Significance.

Mayo Clinic Laboratories, Mayo Clinic
Classification: Uncertain significance. Last evaluated: 2023-05-30. Review status: criteria provided, single submitter. Criteria: ACMG Guidelines, 2015. Collection method: clinical testing. Allele origin: germline. Observed: 1 variant allele.

GeneDx
Classification: Uncertain significance. Last evaluated: 2016-12-01. Review status: criteria provided, single submitter. Criteria: GeneDx Variant Classification (06012015). Collection method: clinical testing. Allele origin: germline. Affected: yes.
Comment: The E533K variant in the AIFM1 gene has not been reported previously as a pathogenic variant, nor as a benign variant, to our knowledge. The E533K variant was not observed in approximately 6500 individuals of European and African American ancestry in the NHLBI Exome Sequencing Project, indicating it is not a common benign variant in these populations. The E533K variant is a non-conservative amino acid substitution, which is likely to impact secondary protein structure as these residues differ in polarity, charge, size and/or other properties. This substitution occurs at a position that is conserved across species. In silico analysis is inconsistent in its predictions as to whether or not the variant is damaging to the protein structure/function. As an alternate mechanism, multiple in silico algorithms predict that c.1597 G>A (aka E533K) might create a cryptic donor site in intron 15 which may supplant the natural donor site. However, in the absence of RNA/functional studies, the actual effect of c.1597 G>A in this individual is unknown. We interpret E533K as a variant of uncertain significance.

Molecular Genetics Laboratory, London Health Sciences Centre
Classification: Uncertain significance for Charcot-Marie-Tooth disease. Review status: criteria provided, single submitter. Criteria: ACMG Guidelines, 2015. Collection method: clinical testing. Allele origin: germline. Affected: yes.

NM_004208.4(AIFM1):c.1597G>A (p.Glu533Lys)

Genes: RAB33A (RAB33A, member RAS oncogene family; plus strand), AIFM1 (apoptosis inducing factor mitochondria associated 1; minus strand). Cytogenetic location: Xq26.1.
Variant type: single nucleotide variant.
Coding change: c.1597G>A on transcript NM_004208.4 (MANE Select); coding-DNA position 1597, G replaced by A.
Protein change: p.Glu533Lys; replaces glutamic acid 533 with lysine.
Molecular consequence: missense variant. On other transcripts: 3 prime UTR variant (1), non-coding transcript variant (1).
Genome position (GRCh38, 1-based): chrX:130,130,143, C>T on the plus strand (G>A on the coding strand, the complement: AIFM1 is on the minus strand). VCF-style: chrX-130130143-C-T. GRCh37 (hg19) VCF-style: chrX-129264118-C-T.
Other names: p.Glu533Lys; c.580G>A, p.Glu194Lys (NM_001130846.4); c.*825G>A (NM_001130847.4); c.1585G>A, p.Glu529Lys (NM_145812.3); short protein forms E533K, E194K, E529K.
Identifiers: ClinVar variation 372555 (VCV000372555.11), dbSNP rs1057517852, ClinGen allele CA16043259.